The following is an entry in ClinVar:

NM_001113226.3(NTNG1):c.689C>T (p.Ala230Val)

Gene: NTNG1 (netrin G1; plus strand). Cytogenetic location: 1p13.3.
Variant type: single nucleotide variant.
Coding change: c.689C>T on transcript NM_001113226.3 (MANE Select); coding-DNA position 689, C replaced by T.
Protein change: p.Ala230Val; replaces alanine 230 with valine.
Molecular consequence: missense variant.
Genome position (GRCh38, 1-based): chr1:107,324,724, C>T. VCF-style: chr1-107324724-C-T. GRCh37 (hg19) VCF-style: chr1-107867346-C-T.
Other names: c.689C>T, p.Ala230Val (NM_001113228.3, NM_001312688.2, NM_001330665.2 and 7 more transcripts); short protein forms A230V.
Identifiers: ClinVar variation 91929 (VCV000091929.2), dbSNP rs386352339, ClinGen allele CA232181.
Genomic context (GRCh38, chr1:107,324,724, plus strand): 5'-ACTCAACAGGGTATACAACAAATAGCAAAATAATCCACTTTGAAATCAAAGACAGGTTCG[C>T]GTTTTTTGCTGGACCTCGCCTACGCAATATGGCTTCCCTCTACGGACAGCTGGATACAAC-3'
Protein context (NP_001106697.1, residues 220-240): IIHFEIKDRF[Ala230Val]FFAGPRLRNM

ClinVar aggregate classification (germline): Uncertain significance (0 of 4 stars; one submission).

Allele frequency attached by ClinVar (database versions not stated): gnomAD exomes below 0.00001.
gnomAD v4.1: 3 of 1,613,512 alleles (0.00019%); highest among the groups gnomAD compares: Admixed American, 0.0017%; no homozygotes.

Submission:

Richard Lifton Laboratory, Yale University School of Medicine
Classification: Uncertain significance. Review status: no assertion criteria provided. Collection method: not provided. Allele origin: somatic.
Comment: NTNG1
ClinVar note: Converted during submission from unknown to Uncertain significance.